The following is an entry in ClinVar:

ClinVar aggregate classification (germline): Benign/Likely benign. Review status: criteria provided, multiple submitters, no conflicts (2 of 4 stars). 10 submissions from 10 submitters: Benign (7); Likely benign (1). 2 of the submissions do not count toward it. Last evaluated 2026-05-09.

Conditions:
Inborn genetic diseases. Identifiers: MedGen C0950123, MeSH D030342.
KBG syndrome (KBGS). Also called: ANKRD11-Related KBG Syndrome. Identifiers: Orphanet 2332, MedGen C0220687, MONDO:0007846, OMIM 148050.

Allele frequency attached by ClinVar (database versions not stated): ESP Exome Variant Server 0.01434; TOPMed 0.02763; 1000 Genomes Project 30x 0.02764; 1000 Genomes Project 0.03035; gnomAD exomes 0.03310; gnomAD 0.03396 and 0.03409; ExAC 0.04093.
gnomAD v4.1: 58,151 of 1,523,960 alleles (3.8%); highest among the groups gnomAD compares: East Asian, 6.5%; 1,391 homozygotes.

Submissions (10):

Women's Health and Genetics/Laboratory Corporation of America, LabCorp
Classification: Likely benign. Last evaluated: 2026-05-09. Review status: criteria provided, single submitter. Criteria: LabCorp Variant Classification Summary - May 2015. Collection method: clinical testing. Allele origin: germline.

Labcorp Genetics (formerly Invitae), Labcorp
Classification: Benign for KBG syndrome. Last evaluated: 2026-02-03. Review status: criteria provided, single submitter. Criteria: Invitae Variant Classification Sherloc (09022015). Collection method: clinical testing. Allele origin: germline.

Blueprint Genetics
Classification: Benign. Last evaluated: 2024-11-27. Review status: criteria provided, single submitter. Criteria: ACMG Guidelines, 2015. Collection method: clinical testing. Allele origin: germline.

Athena Diagnostics
Classification: Benign. Last evaluated: 2024-02-16. Review status: criteria provided, single submitter. Criteria: Athena Diagnostics Criteria. Collection method: clinical testing. Allele origin: unknown.

Genome-Nilou Lab
Classification: Benign for KBG syndrome. Last evaluated: 2021-12-05. Review status: criteria provided, single submitter. Criteria: ACMG Guidelines, 2015. Collection method: clinical testing. Allele origin: germline. Affected: no.

Ambry Genetics
Classification: Benign for Inborn genetic diseases. Last evaluated: 2016-04-18. Review status: criteria provided, single submitter. Criteria: Ambry Variant Classification Scheme 2023. Collection method: clinical testing. Allele origin: germline.

GeneDx
Classification: Benign. Last evaluated: 2015-09-22. Review status: criteria provided, single submitter. Criteria: GeneDx Variant Classification (06012015). Collection method: clinical testing. Allele origin: germline. Affected: yes.
Comment: This variant is considered likely benign or benign based on one or more of the following criteria: it is a conservative change, it occurs at a poorly conserved position in the protein, it is predicted to be benign by multiple in silico algorithms, and/or has population frequency not consistent with disease.

Breakthrough Genomics
Classification: Benign. Review status: criteria provided, single submitter. Criteria: ACMG Guidelines, 2015. Collection method: not provided. Allele origin: germline. Inheritance: Autosomal dominant inheritance. Affected: yes.

Genome Diagnostics Laboratory, University Medical Center Utrecht
Classification: Likely benign. Review status: no assertion criteria provided. Collection method: clinical testing. Allele origin: germline. Affected: yes. Study: VKGL Data-share Consensus. Not counted in ClinVar's aggregate classification.

Joint Genome Diagnostic Labs from Nijmegen and Maastricht, Radboudumc and MUMC+
Classification: Benign. Review status: no assertion criteria provided. Collection method: clinical testing. Allele origin: germline. Affected: yes. Study: VKGL Data-share Consensus. Not counted in ClinVar's aggregate classification.

NM_013275.6(ANKRD11):c.6787C>T (p.Pro2263Ser)

Gene: ANKRD11 (ankyrin repeat domain 11; minus strand). Cytogenetic location: 16q24.3.
Variant type: single nucleotide variant.
Coding change: c.6787C>T on transcript NM_013275.6 (MANE Select); coding-DNA position 6787, C replaced by T.
Protein change: p.Pro2263Ser; replaces proline 2263 with serine.
Molecular consequence: missense variant.
Genome position (GRCh38, 1-based): chr16:89,279,755, G>A on the plus strand (C>T on the coding strand, the complement: ANKRD11 is on the minus strand). VCF-style: chr16-89279755-G-A. GRCh37 (hg19) VCF-style: chr16-89346163-G-A.
Other names: c.6787C>T, p.Pro2263Ser (NM_001256182.2, NM_001256183.2); short protein forms P2263S.
Identifiers: ClinVar variation 380369 (VCV000380369.21), dbSNP rs76793093, ClinGen allele CA8241338.